The following is an entry in ClinVar:

NM_016507.4(CDK12):c.3075C>T (p.Leu1025=)

Gene: CDK12 (cyclin dependent kinase 12; plus strand). Cytogenetic location: 17q12.
Variant type: single nucleotide variant.
Coding change: c.3075C>T on transcript NM_016507.4 (MANE Select); coding-DNA position 3075, C replaced by T.
Protein change: p.Leu1025=; no amino-acid change (leucine 1025 retained).
Molecular consequence: synonymous variant.
Genome position (GRCh38, 1-based): chr17:39,520,067, C>T. VCF-style: chr17-39520067-C-T. GRCh37 (hg19) VCF-style: chr17-37676320-C-T.
Other names: c.3075C>T, p.Leu1025= (NM_015083.4); c.3075C>T (NM_016507.2).
Identifiers: ClinVar variation 3028958 (VCV003028958.3), dbSNP rs959591701, ClinGen allele CA290399157.

ClinVar aggregate classification (germline): Likely benign. Review status: criteria provided, single submitter (1 of 4 stars). 2 submissions from 2 submitters: Likely benign (1). 1 of the submissions does not count toward it. Last evaluated 2025-04-18.

Conditions:
CDK12-related disorder. Also called: CDK12-related condition.

gnomAD v4.1: 4 of 1,614,032 alleles (0.00025%); highest among the groups gnomAD compares: Non-Finnish European, 0.00034%; no homozygotes.

Submissions (2):

Ambry Genetics
Classification: Likely benign. Last evaluated: 2025-04-18. Review status: criteria provided, single submitter. Criteria: Ambry Variant Classification Scheme 2023. Collection method: clinical testing. Allele origin: germline.

PreventionGenetics, part of Exact Sciences
Classification: Likely benign for CDK12-related condition. Last evaluated: 2021-06-22. Review status: no assertion criteria provided. Collection method: clinical testing. Allele origin: germline. Not counted in ClinVar's aggregate classification.
Comment: This variant is classified as likely benign based on ACMG/AMP sequence variant interpretation guidelines (Richards et al. 2015 PMID: 25741868, with internal and published modifications).